The following is an entry in ClinVar:

ClinVar aggregate classification (germline): Uncertain significance (1 of 4 stars; one submission).

Submission:

Labcorp Genetics (formerly Invitae), Labcorp
Classification: Uncertain significance. Last evaluated: 2022-07-14. Review status: criteria provided, single submitter. Criteria: Invitae Variant Classification Sherloc (09022015). Collection method: clinical testing. Allele origin: germline.
Comment: This sequence change replaces serine, which is neutral and polar, with glycine, which is neutral and non-polar, at codon 298 of the CTBP1 protein (p.Ser298Gly). This variant is not present in population databases (gnomAD no frequency). This variant has not been reported in the literature in individuals affected with CTBP1-related conditions. Algorithms developed to predict the effect of missense changes on protein structure and function (SIFT, PolyPhen-2, Align-GVGD) all suggest that this variant is likely to be tolerated. Algorithms developed to predict the effect of sequence changes on RNA splicing suggest that this variant may disrupt the consensus splice site. In summary, the available evidence is currently insufficient to determine the role of this variant in disease. Therefore, it has been classified as a Variant of Uncertain Significance.

NM_001012614.2(CTBP1):c.859A>G (p.Ser287Gly)

Genes: CTBP1 (C-terminal binding protein 1; minus strand), CTBP1-AS (CTBP1 antisense RNA; plus strand). Cytogenetic location: 4p16.3.
Variant type: single nucleotide variant.
Coding change: c.859A>G on transcript NM_001012614.2 (MANE Select); coding-DNA position 859, A replaced by G.
Protein change: p.Ser287Gly; replaces serine 287 with glycine.
Molecular consequence: missense variant.
Genome position (GRCh38, 1-based): chr4:1,214,344, T>C on the plus strand (A>G on the coding strand, the complement: CTBP1 is on the minus strand). VCF-style: chr4-1214344-T-C. GRCh37 (hg19) VCF-style: chr4-1208132-T-C.
Other names: c.892A>G, p.Ser298Gly (NM_001328.3, NM_001377186.1); c.859A>G, p.Ser287Gly (NM_001377187.1, NM_001377188.1, NM_001377189.1 and 4 more transcripts); short protein forms S298G, S287G.
Identifiers: ClinVar variation 2013486 (VCV002013486.4), dbSNP rs2535033220, ClinGen allele CA355946622.